The following is an entry in ClinVar:

NM_000553.6(WRN):c.2989C>T (p.Gln997Ter)

Gene: WRN (WRN RecQ like helicase; plus strand). Cytogenetic location: 8p12.
Variant type: single nucleotide variant.
Coding change: c.2989C>T on transcript NM_000553.6 (MANE Select); coding-DNA position 2989, C replaced by T.
Protein change: p.Gln997Ter; replaces glutamine 997 with a stop codon.
Molecular consequence: nonsense.
Genome position (GRCh38, 1-based): chr8:31,141,451, C>T. VCF-style: chr8-31141451-C-T. GRCh37 (hg19) VCF-style: chr8-30998967-C-T.
Other names: short protein forms Q997*.
Identifiers: ClinVar variation 4851314 (VCV004851314.1).

ClinVar aggregate classification (germline): Pathogenic (1 of 4 stars; one submission).

Conditions:
Werner syndrome (WRN). Identifiers: Orphanet 902, MedGen C0043119, MONDO:0010196, OMIM 277700.

Submission:

Clinical Genetics Laboratory, Skane University Hospital Lund
Classification: Pathogenic for Werner syndrome. Last evaluated: 2026-05-22. Review status: criteria provided, single submitter. Criteria: ACMG Guidelines, 2015. Collection method: clinical testing. Allele origin: germline. Affected: yes.
Comment: ACMG criteria applied: PVS1, PM2, PP1, PP4_strong